The following is an entry in ClinVar:

ClinVar aggregate classification (germline): Uncertain significance. Review status: criteria provided, multiple submitters, no conflicts (2 of 4 stars). 2 submissions from 2 submitters: Uncertain significance (2). Last evaluated 2022-07-21.

Conditions:
Familial cold autoinflammatory syndrome 3 (FCAS3). Also called: FAMILIAL ATYPICAL COLD URTICARIA; ANTIBODY DEFICIENCY AND IMMUNE DYSREGULATION, PLCG2-ASSOCIATED. Identifiers: Orphanet 300359, MedGen C3280914, MONDO:0013766, OMIM 614468.
Inborn genetic diseases. Identifiers: MedGen C0950123, MeSH D030342.

Allele frequency attached by ClinVar (database versions not stated): TOPMed 0.00001.
gnomAD v4.1: 1 of 1,613,968 alleles (0.000062%); highest among the groups gnomAD compares: African/African-American, 0.0013%; no homozygotes.

Submissions (2):

Ambry Genetics
Classification: Uncertain significance for Inborn genetic diseases. Last evaluated: 2022-07-21. Review status: criteria provided, single submitter. Criteria: Ambry Variant Classification Scheme 2023. Collection method: clinical testing. Allele origin: germline.

Labcorp Genetics (formerly Invitae), Labcorp
Classification: Uncertain significance for Familial cold autoinflammatory syndrome 3. Last evaluated: 2018-04-23. Review status: criteria provided, single submitter. Criteria: Invitae Variant Classification Sherloc (09022015). Collection method: clinical testing. Allele origin: germline.
Comment: This sequence change replaces aspartic acid with glutamic acid at codon 362 of the PLCG2 protein (p.Asp362Glu). The aspartic acid residue is highly conserved and there is a small physicochemical difference between aspartic acid and glutamic acid. This variant is not present in population databases (ExAC no frequency). This variant has not been reported in the literature in individuals with PLCG2-related disease. Algorithms developed to predict the effect of missense changes on protein structure and function (SIFT, PolyPhen-2, Align-GVGD) all suggest that this variant is likely to be tolerated, but these predictions have not been confirmed by published functional studies and their clinical significance is uncertain. In summary, the available evidence is currently insufficient to determine the role of this variant in disease. Therefore, it has been classified as a Variant of Uncertain Significance.

NM_002661.5(PLCG2):c.1086C>G (p.Asp362Glu)

Gene: PLCG2 (phospholipase C gamma 2; plus strand). Cytogenetic location: 16q23.3.
Variant type: single nucleotide variant.
Coding change: c.1086C>G on transcript NM_002661.5 (MANE Select); coding-DNA position 1086, C replaced by G.
Protein change: p.Asp362Glu; replaces aspartic acid 362 with glutamic acid.
Molecular consequence: missense variant.
Genome position (GRCh38, 1-based): chr16:81,895,820, C>G. VCF-style: chr16-81895820-C-G. GRCh37 (hg19) VCF-style: chr16-81929425-C-G.
Other names: c.1086C>G (NM_002661.3); short protein forms D362E.
Identifiers: ClinVar variation 574176 (VCV000574176.9), dbSNP rs375876385, ClinGen allele CA285131919.